The following is an entry in ClinVar:

NM_001080449.3(DNA2):c.1644_1647del (p.Asp548fs)

Gene: DNA2 (DNA replication helicase/nuclease 2; minus strand). Cytogenetic location: 10q21.3.
Variant type: Deletion.
Coding change: c.1644_1647del on transcript NM_001080449.3 (MANE Select); coding-DNA positions 1644 to 1647, 4 bases deleted (ACAG; older notation c.1644_1647delACAG).
Protein change: p.Asp548fs; shifts the reading frame from aspartic acid 548.
Molecular consequence: frameshift variant. On other transcripts: non-coding transcript variant (1).
Genome position (GRCh38, 1-based): chr10:68,437,011-68,437,014, CTGT deleted on the plus strand (ACAG on the coding strand, the reverse complement: DNA2 is on the minus strand); deleting any 4 consecutive bases within chr10:68,437,011-68,437,016 gives the same sequence; the c. name uses the placement nearest the transcript's 3' end. VCF-style (leftmost placement, unchanged base first): chr10-68437010-CCTGT-C. GRCh37 (hg19) VCF-style: chr10-70196767-CCTGT-C.
Other names: short protein forms D548fs.
Identifiers: ClinVar variation 265529 (VCV000265529.5), dbSNP rs768077989, ClinGen allele CA5525031.

ClinVar aggregate classification (germline): Conflicting classifications of pathogenicity. Review status: criteria provided, conflicting classifications (1 of 4 stars). 3 submissions from 3 submitters: Pathogenic (1); Likely pathogenic (1); Uncertain significance (1). Last evaluated 2024-07-20.

Conditions:
Mitochondrial DNA deletion syndrome with progressive myopathy. Also called: Progressive external ophthalmoplegia with mitochondrial DNA deletions, autosomal dominant 6; PROGRESSIVE EXTERNAL OPHTHALMOPLEGIA, AUTOSOMAL DOMINANT 6. Identifiers: Orphanet 352470, MedGen C3554599, MONDO:0014062, OMIM 615156.

Submissions (3):

Labcorp Genetics (formerly Invitae), Labcorp
Classification: Uncertain significance. Last evaluated: 2024-07-20. Review status: criteria provided, single submitter. Criteria: Invitae Variant Classification Sherloc (09022015). Collection method: clinical testing. Allele origin: germline.
Comment: This sequence change creates a premature translational stop signal (p.Asp548Glufs*14) in the DNA2 gene. It is expected to result in an absent or disrupted protein product. However, the current clinical and genetic evidence is not sufficient to establish whether loss-of-function variants in DNA2 cause disease. This variant is not present in population databases (gnomAD no frequency). This variant has not been reported in the literature in individuals affected with DNA2-related conditions. ClinVar contains an entry for this variant (Variation ID: 265529). Algorithms developed to predict the effect of sequence changes on RNA splicing suggest that this variant may disrupt the consensus splice site. In summary, the available evidence is currently insufficient to determine the role of this variant in disease. Therefore, it has been classified as a Variant of Uncertain Significance.

Mendelics
Classification: Pathogenic for Mitochondrial DNA deletion syndrome with progressive myopathy. Last evaluated: 2022-05-04. Review status: criteria provided, single submitter. Criteria: Mendelics Assertion Criteria 2019. Collection method: clinical testing. Allele origin: germline.

GeneDx
Classification: Likely pathogenic. Last evaluated: 2017-08-28. Review status: criteria provided, single submitter. Criteria: GeneDx Variant Classification (06012015). Collection method: clinical testing. Allele origin: germline. Affected: yes.
Comment: The c.1643_1646delACAG variant in the DNA2 gene has been reported previously in a cohort of individuals undergoing exome sequencing (Yavarna et al., 2015). The c.1643_1646delACAG variant is predicted to cause a frameshift starting with codon Aspartic acid 548, changing this amino acid to a Glutamic acid residue and creating a premature Stop codon at position 14 of the new reading frame, denoted p.Asp548GlufsX14. This outcome is predicted to cause loss of normal protein function either through protein truncation or nonsense-mediated mRNA decay. As an alternate mechanism, in-silico splice prediction models predict that c.1643_1646delACAG may cause abnormal gene splicing resulting in an in-frame protein product with an abnormal message. However, in the absence of RNA/functional studies, the actual effect of c.1643_1646delACAG in this individual is unknown. The c.1643_1646delACAG variant is not observed in large population cohorts (Lek et al., 2016; 1000 Genomes Consortium et al., 2015; Exome Variant Server). We interpret c.1643_1646delACAG as a likely pathogenic variant.